The following is an entry in ClinVar:

NM_005419.4(STAT2):c.171_172insT (p.Met58fs)

Gene: STAT2 (signal transducer and activator of transcription 2; minus strand). Cytogenetic location: 12q13.3.
Variant type: Insertion.
Coding change: c.171_172insT on transcript NM_005419.4 (MANE Select); coding-DNA positions 171 to 172, T inserted.
Protein change: p.Met58fs; shifts the reading frame from methionine 58.
Molecular consequence: frameshift variant.
Genome position: GRCh38 VCF-style: chr12-56356245-T-TA. GRCh37 (hg19) VCF-style: chr12-56750029-T-TA.
Other names: c.171_172insT, p.Met58fs (NM_001385110.1, NM_001385111.1, NM_001385113.1 and 3 more transcripts); short protein forms M58fs.
Identifiers: ClinVar variation 4722763 (VCV004722763.1).

ClinVar aggregate classification (germline): Pathogenic (1 of 4 stars; one submission).

Conditions:
Primary immunodeficiency with post-measles-mumps-rubella vaccine viral infection. Also called: Immunodeficiency 44. Identifiers: Orphanet 431166, MedGen C4225260, MONDO:0014715, OMIM 616636.

Submission:

Labcorp Genetics (formerly Invitae), Labcorp
Classification: Pathogenic for Primary immunodeficiency with post-measles-mumps-rubella vaccine viral infection. Last evaluated: 2025-07-06. Review status: criteria provided, single submitter. Criteria: Invitae Variant Classification Sherloc (09022015). Collection method: clinical testing. Allele origin: germline.
Comment: This sequence change creates a premature translational stop signal (p.Met58Tyrfs*13) in the STAT2 gene. It is expected to result in an absent or disrupted protein product. Loss-of-function variants in STAT2 are known to be pathogenic (PMID: 23391734, 26122121). This variant is not present in population databases (gnomAD no frequency). This variant has not been reported in the literature in individuals affected with STAT2-related conditions. For these reasons, this variant has been classified as Pathogenic.

Literature cited by the submitters: PubMed 23391734; PubMed 26122121.